The following is an entry in ClinVar:

NM_022787.4(NMNAT1):c.550A>G (p.Ile184Val)

Gene: NMNAT1 (nicotinamide nucleotide adenylyltransferase 1; plus strand). Cytogenetic location: 1p36.22.
Variant type: single nucleotide variant.
Coding change: c.550A>G on transcript NM_022787.4 (MANE Select); coding-DNA position 550, A replaced by G.
Protein change: p.Ile184Val; replaces isoleucine 184 with valine.
Molecular consequence: missense variant.
Genome position (GRCh38, 1-based): chr1:9,982,411, A>G. VCF-style: chr1-9982411-A-G. GRCh37 (hg19) VCF-style: chr1-10042469-A-G.
Other names: c.550A>G, p.Ile184Val (NM_001297778.1); short protein forms I184V.
Identifiers: ClinVar variation 1415453 (VCV001415453.3), dbSNP rs1641968442, ClinGen allele CA338686689.

ClinVar aggregate classification (germline): Uncertain significance (1 of 4 stars; one submission).

Conditions:
Leber congenital amaurosis 9 (LCA9). Also called: LCA9 Leber Congenital Amaurosis; LCA 9; Amaurosis congenita of Leber, type 9. Identifiers: Orphanet 65, MedGen C1837873, MONDO:0012056, OMIM 608553.

Allele frequency attached by ClinVar (database versions not stated): gnomAD exomes below 0.00001; gnomAD 0.00001; TOPMed 0.00001.
gnomAD v4.1: 6 of 1,614,036 alleles (0.00037%); highest among the groups gnomAD compares: Admixed American, 0.005%; no homozygotes.

Submission:

Labcorp Genetics (formerly Invitae), Labcorp
Classification: Uncertain significance for Leber congenital amaurosis 9. Last evaluated: 2021-10-05. Review status: criteria provided, single submitter. Criteria: Invitae Variant Classification Sherloc (09022015). Collection method: clinical testing. Allele origin: germline.
Comment: This sequence change replaces isoleucine with valine at codon 184 of the NMNAT1 protein (p.Ile184Val). The isoleucine residue is weakly conserved and there is a small physicochemical difference between isoleucine and valine. This variant is not present in population databases (ExAC no frequency). This variant has not been reported in the literature in individuals affected with NMNAT1-related conditions. Algorithms developed to predict the effect of missense changes on protein structure and function output the following: SIFT: "Tolerated"; PolyPhen-2: "Benign"; Align-GVGD: "Class C0". The valine amino acid residue is found in multiple mammalian species, which suggests that this missense change does not adversely affect protein function. Algorithms developed to predict the effect of sequence changes on RNA splicing suggest that this variant may create or strengthen a splice site. In summary, the available evidence is currently insufficient to determine the role of this variant in disease. Therefore, it has been classified as a Variant of Uncertain Significance.